The following continues an entry in ClinVar:

NM_000059.4(BRCA2):c.9435_9436del (p.Ser3147fs)

Gene: BRCA2. ClinVar aggregate classification (germline): Pathogenic. Pathogenic (1).

Submissions 7 to 19 of 29:

Color Diagnostics, LLC DBA Color Health
Classification: Pathogenic for Hereditary cancer-predisposing syndrome. Last evaluated: 2024-06-14. Review status: criteria provided, single submitter. Criteria: ACMG Guidelines, 2015. Collection method: clinical testing. Allele origin: germline. Not counted in ClinVar's aggregate classification.
Comment: This variant deletes 2 nucleotides in exon 25 of the BRCA2 gene, creating a frameshift and premature translation stop signal. This variant is expected to result in an absent or non-functional protein product. This variant has been reported several in individuals affected with breast or ovarian cancer (PMID: 8673090, 18489799, 21913181, 22798144, 24504028, 24549055, 25186627, 27153395, 27798748, 28008555), and it has also been detected in a breast cancer case-control meta-analysis in 5/60466 cases and 1/53461 unaffected individuals (PMID: 33471991; LOVD DB-ID BRCA2_000942). This variant has been identified in 1/251342 chromosomes in the general population by the Genome Aggregation Database (gnomAD). Loss of BRCA2 function is a known mechanism of disease. Based on the available evidence, this variant is classified as Pathogenic.

Institute of Human Genetics, FAU Erlangen, Friedrich-Alexander-Universität Erlangen-Nürnberg
Classification: Pathogenic. Last evaluated: 2024-03-06. Review status: criteria provided, single submitter. Criteria: Hauer et al. (Genet Med. 2018). Collection method: clinical testing. Allele origin: germline. Inheritance: Unknown mechanism. Affected: yes. Observed: 1 variant allele. Not counted in ClinVar's aggregate classification.
Comment: This variant has been identified by standard clinical testing.

Baylor Genetics
Classification: Pathogenic for Familial cancer of breast. Last evaluated: 2024-02-12. Review status: criteria provided, single submitter. Criteria: ACMG Guidelines, 2015. Collection method: clinical testing. Allele origin: unknown. Not counted in ClinVar's aggregate classification.

All of Us Research Program, National Institutes of Health
Classification: Pathogenic for Breast-ovarian cancer, familial, susceptibility to, 2. Last evaluated: 2023-12-15. Review status: criteria provided, single submitter. Criteria: ACMG Guidelines, 2015. Collection method: clinical testing. Allele origin: germline. Inheritance: Autosomal dominant inheritance. Observed: 1 variant allele, 1 heterozygote. Not counted in ClinVar's aggregate classification.
Comment: This variant deletes 2 nucleotides in exon 25 of the BRCA2 gene, creating a frameshift and premature translation stop signal. This variant is expected to result in an absent or non-functional protein product. This variant has been reported several in individuals affected with breast or ovarian cancer (PMID: 8673090, 18489799, 21913181, 22798144, 24504028, 24549055, 25186627, 27153395, 27798748, 28008555). This variant has been identified in 1/251342 chromosomes in the general population by the Genome Aggregation Database (gnomAD). Loss of BRCA2 function is a known mechanism of disease. Based on the available evidence, this variant is classified as Pathogenic.

This study involves interpretation of variants in research participants for the purpose of population health screening. Participant phenotype was not available at the time of variant classification. Additional details can be found in publication PMID: 35346344, PMCID: PMC8962531

Blueprint Genetics
Classification: Pathogenic for BRCA2-related disorders. Last evaluated: 2023-11-06. Review status: criteria provided, single submitter. Criteria: ACMG Guidelines, 2015. Collection method: clinical testing. Allele origin: germline. Affected: yes. Observed: 4 variant alleles. Not counted in ClinVar's aggregate classification.

GeneDx
Classification: Pathogenic. Last evaluated: 2023-09-10. Review status: criteria provided, single submitter. Criteria: GeneDx Variant Classification Process June 2021. Collection method: clinical testing. Allele origin: germline. Affected: yes. Not counted in ClinVar's aggregate classification.
Comment: Frameshift variant predicted to result in protein truncation or nonsense mediated decay in a gene for which loss-of-function is a known mechanism of disease; Not observed at significant frequency in large population cohorts (gnomAD); Truncating variants in this gene are considered pathogenic by a well-established clinical consortium and/or database; Observed in individuals with personal or family history of BRCA2-associated cancers (PMID: 8673090, 22798144, 24504028, 26962171); Also known as 9433delGT, 9663_9664delGT, and 9663delGT; This variant is associated with the following publications: (PMID: 30122538, 29922827, 28888541, 10570174, 15131399, 18489799, 8673090, 24504028, 22798144, 26962171, 28008555, 30293905, 21913181, 30720243, 31447099, 30787465, 33087929, 31892343, 31723001, 32295079, 33471991, 36623239, 34326862, 29446198, 20051372, 35186721, 35464868, 27798748, 24549055, 20104584, 19941162, 37528630)

Mayo Clinic Laboratories, Mayo Clinic
Classification: Pathogenic. Last evaluated: 2023-06-28. Review status: criteria provided, single submitter. Criteria: ACMG Guidelines, 2015. Collection method: clinical testing. Allele origin: germline. Observed: 2 variant alleles. Not counted in ClinVar's aggregate classification.
Comment: PP5, PM2, PVS1

KCCC/NGS Laboratory, Kuwait Cancer Control Center
Classification: Pathogenic for Breast-ovarian cancer, familial, susceptibility to, 2. Last evaluated: 2023-06-06. Review status: criteria provided, single submitter. Criteria: ACMG Guidelines, 2015. Collection method: clinical testing. Allele origin: germline. Affected: yes. Not counted in ClinVar's aggregate classification.
Comment: A known pathogenic mutation was detected in the BRCA2 gene (c.9435_9436delGT). This sequence change creates a premature translational stop signal (p.Ser3147Cysfs*2) in the BRCA2 gene. It is expected to result in an absent or disrupted protein product. This variant is not present in gnomAD genomes. This variant is also known as 9433delGT, 9663delGT and 3144_3145del in the literature. ClinVar contains an entry for this variant (Variation ID: 38240) with 17 submissions, all of which describe it as pathogenic, 3 stars, reviewed by expert panel. Lossof- function variants in BRCA2 are known to be pathogenic (PMID: 20104584). Therefore, this variant has been classified as Pathogenic.

Revvity Omics, Revvity
Classification: Pathogenic. Last evaluated: 2022-05-25. Review status: criteria provided, single submitter. Criteria: ACMG Guidelines, 2015. Collection method: clinical testing. Allele origin: germline. Not counted in ClinVar's aggregate classification.

Fulgent Genetics
Classification: Pathogenic for Familial cancer of breast; Medulloblastoma; Familial prostate cancer; Wilms tumor 1; Fanconi anemia complementation group D1; Breast-ovarian cancer, familial, susceptibility to, 2; Glioma susceptibility 3; Pancreatic cancer, susceptibility to, 2. Last evaluated: 2022-05-16. Review status: criteria provided, single submitter. Criteria: ACMG Guidelines, 2015. Collection method: clinical testing. Allele origin: unknown. Not counted in ClinVar's aggregate classification.

Sema4
Classification: Pathogenic for Hereditary cancer-predisposing syndrome. Last evaluated: 2021-11-23. Review status: criteria provided, single submitter. Criteria: Sema4 Curation Guidelines. Collection method: curation. Allele origin: germline. Not counted in ClinVar's aggregate classification.
Comment: The BRCA2 c.9435_9436del (p.S3147CfsX2) variant has been reported in heterozygosity in numerous individuals with hereditary breast and/or ovarian cancer (PMID: 33471991, 24504028, 22798144, 18489799, 8673090,among others). It is also known as 9433delGT, 9663delGT and 3144_3145del in the literature. This variant causes a frameshift at amino acid 3147 that results in premature termination 2 amino acids downstream. Loss of function variants in BRCA2 are known to be pathogenic (PMID: 29446198). This variant was observed in 1/113672 chromosomes in the Non-Finnish European subpopulation in the large and broad cohorts of the Genome Aggregation Database (PMID: 32461654). This variant has been reported in ClinVar (Variation ID: 38240). Based on the current evidence available, this variant is interpreted as pathogenic.

Women's Health and Genetics/Laboratory Corporation of America, LabCorp
Classification: Pathogenic for Hereditary breast ovarian cancer syndrome. Last evaluated: 2021-01-02. Review status: criteria provided, single submitter. Criteria: LabCorp Variant Classification Summary - May 2015. Collection method: clinical testing. Allele origin: germline. Not counted in ClinVar's aggregate classification.
Comment: Variant summary: BRCA2 c.9435_9436delGT (p.Ser3147CysfsX2) results in a premature termination codon, predicted to cause a truncation of the encoded protein or absence of the protein due to nonsense mediated decay, which are commonly known mechanisms for disease. Truncations downstream of this position have been classified as pathogenic by our laboratory. The variant allele was found at a frequency of 4e-06 in 251342 control chromosomes. c.9435_9436delGT has been reported in the literature in multiple individuals affected with Hereditary Breast And Ovarian Cancer Syndrome (example, Rebbeck_2018). These data indicate that the variant is very likely to be associated with disease. Multiple clinical diagnostic laboratories and one expert panel (ENIGMA) have submitted clinical-significance assessments for this variant to ClinVar after 2014 without evidence for independent evaluation. All submitters classified the variant as pathogenic. Based on the evidence outlined above, the variant was classified as pathogenic.

CHEO Genetics Diagnostic Laboratory, Children's Hospital of Eastern Ontario
Classification: Pathogenic for Breast and/or ovarian cancer. Last evaluated: 2020-12-09. Review status: criteria provided, single submitter. Criteria: ACMG Guidelines, 2015. Collection method: clinical testing. Allele origin: germline. Not counted in ClinVar's aggregate classification.